The following is an entry in ClinVar:

NM_198578.4(LRRK2):c.2173G>A (p.Val725Ile)

Gene: LRRK2 (leucine rich repeat kinase 2; plus strand). Cytogenetic location: 12q12.
Variant type: single nucleotide variant.
Coding change: c.2173G>A on transcript NM_198578.4 (MANE Select); coding-DNA position 2173, G replaced by A.
Protein change: p.Val725Ile; replaces valine 725 with isoleucine.
Molecular consequence: missense variant.
Genome position (GRCh38, 1-based): chr12:40,278,193, G>A. VCF-style: chr12-40278193-G-A. GRCh37 (hg19) VCF-style: chr12-40671995-G-A.
Other names: short protein forms V725I.
Identifiers: ClinVar variation 3229543 (VCV003229543.1), dbSNP rs2499639130, ClinGen allele CA384405188.

ClinVar aggregate classification (germline): Uncertain significance (1 of 4 stars; one submission).

Conditions:
Inborn genetic diseases. Identifiers: MedGen C0950123, MeSH D030342.

Submission:

Ambry Genetics
Classification: Uncertain significance for Inborn genetic diseases. Last evaluated: 2023-09-27. Review status: criteria provided, single submitter. Criteria: Ambry Variant Classification Scheme 2023. Collection method: clinical testing. Allele origin: germline.
Comment: The p.V725I variant (also known as c.2173G>A), located in coding exon 18 of the LRRK2 gene, results from a G to A substitution at nucleotide position 2173. The valine at codon 725 is replaced by isoleucine, an amino acid with highly similar properties. This amino acid position is conserved. In addition, this alteration is predicted to be tolerated by in silico analysis. Since supporting evidence is limited at this time, the clinical significance of this alteration remains unclear.